The following is an entry in ClinVar:

ClinVar aggregate classification (germline): Pathogenic. Review status: criteria provided, multiple submitters, no conflicts (2 of 4 stars). 2 submissions from 2 submitters: Pathogenic (2). Last evaluated 2023-06-29.

Conditions:
Juvenile myelomonocytic leukemia (JMML). Also called: LEUKEMIA, JUVENILE MYELOMONOCYTIC, SOMATIC. Identifiers: Orphanet 86834, MedGen C0349639, MONDO:0011908, OMIM 607785, HP:0012209.
Neurofibromatosis, type 1 (NF1). Also called: Peripheral type neurofibromatosis; VON RECKLINGHAUSEN DISEASE; NEUROFIBROMATOSIS, TYPE I, SOMATIC; Neurofibromatosis, type I. Identifiers: Orphanet 636, MedGen C0027831, MONDO:0018975, OMIM 162200. Disease mechanism: loss of function.

Submissions (2):

Baylor Genetics
Classification: Pathogenic for Juvenile myelomonocytic leukemia. Last evaluated: 2023-06-29. Review status: criteria provided, single submitter. Criteria: ACMG Guidelines, 2015. Collection method: clinical testing. Allele origin: unknown.

Labcorp Genetics (formerly Invitae), Labcorp
Classification: Pathogenic for Neurofibromatosis, type 1. Last evaluated: 2021-08-06. Review status: criteria provided, single submitter. Criteria: Invitae Variant Classification Sherloc (09022015). Collection method: clinical testing. Allele origin: germline.
Comment: For these reasons, this variant has been classified as Pathogenic. This variant has not been reported in the literature in individuals affected with NF1-related conditions. This variant is not present in population databases (ExAC no frequency). This sequence change creates a premature translational stop signal (p.Phe2361Serfs*14) in the NF1 gene. It is expected to result in an absent or disrupted protein product. Loss-of-function variants in NF1 are known to be pathogenic (PMID: 10712197, 23913538).

Literature cited by the submitters: PubMed 10712197 (cited by Labcorp Genetics (formerly Invitae), Labcorp); PubMed 23913538 (cited by Labcorp Genetics (formerly Invitae), Labcorp).

NM_001042492.3(NF1):c.7145del (p.Phe2382fs)

Gene: NF1 (neurofibromin 1; plus strand). Cytogenetic location: 17q11.2.
Variant type: Deletion.
Coding change: c.7145del on transcript NM_001042492.3 (MANE Select); coding-DNA position 7145, one base deleted (T; older notation c.7145delT).
Protein change: p.Phe2382fs; shifts the reading frame from phenylalanine 2382.
Molecular consequence: frameshift variant.
Genome position (GRCh38, 1-based): chr17:31,343,091, T deleted; the last of 3 consecutive T bases (chr17:31,343,089-31,343,091); deleting any one gives the same sequence. VCF-style (leftmost placement, unchanged base first): chr17-31343088-AT-A. GRCh37 (hg19) VCF-style: chr17-29670106-AT-A.
Other names: c.7082delT, p.Phe2361Serfs (NM_000267.4); short protein forms F2361fs, F2382fs.
Identifiers: ClinVar variation 1435680 (VCV001435680.7), dbSNP rs2151565168, ClinGen allele CA2573153905.